The following is an entry in ClinVar:

ClinVar aggregate classification (germline): Uncertain significance (1 of 4 stars; one submission).

Conditions:
Ehlers-Danlos syndrome, spondylodysplastic type, 2 (EDSSPD2). Also called: Ehlers-Danlos syndrome, progeroid type, 2. Identifiers: Orphanet 536467, Orphanet 75496, MedGen C3809210, MONDO:0014139, OMIM 615349.
Spondyloepimetaphyseal dysplasia with joint laxity (SEMDJL). Identifiers: MedGen C0432243, MONDO:0019675.

gnomAD v4.1: 5 of 1,104,302 alleles (0.00045%); highest among the groups gnomAD compares: Non-Finnish European, 0.00055%; no homozygotes.

Submission:

Labcorp Genetics (formerly Invitae), Labcorp
Classification: Uncertain significance for Ehlers-Danlos syndrome, spondylodysplastic type, 2; Spondyloepimetaphyseal dysplasia with joint laxity. Last evaluated: 2021-06-18. Review status: criteria provided, single submitter. Criteria: Invitae Variant Classification Sherloc (09022015). Collection method: clinical testing. Allele origin: germline.
Comment: In summary, the available evidence is currently insufficient to determine the role of this variant in disease. Therefore, it has been classified as a Variant of Uncertain Significance. Algorithms developed to predict the effect of missense changes on protein structure and function are either unavailable or do not agree on the potential impact of this missense change (SIFT: "Tolerated"; PolyPhen-2: "Possibly Damaging"; Align-GVGD: "Class C0"). This variant has not been reported in the literature in individuals with B3GALT6-related conditions. The frequency data for this variant in the population databases is considered unreliable, as metrics indicate insufficient coverage at this position in the ExAC database. This sequence change replaces isoleucine with methionine at codon 76 of the B3GALT6 protein (p.Ile76Met). The isoleucine residue is weakly conserved and there is a small physicochemical difference between isoleucine and methionine.

NM_080605.4(B3GALT6):c.228C>G (p.Ile76Met)

Gene: B3GALT6 (beta-1,3-galactosyltransferase 6; plus strand). Cytogenetic location: 1p36.33.
Variant type: single nucleotide variant.
Coding change: c.228C>G on transcript NM_080605.4 (MANE Select); coding-DNA position 228, C replaced by G.
Protein change: p.Ile76Met; replaces isoleucine 76 with methionine.
Molecular consequence: missense variant.
Genome position (GRCh38, 1-based): chr1:1,232,506, C>G. VCF-style: chr1-1232506-C-G. GRCh37 (hg19) VCF-style: chr1-1167886-C-G.
Other names: short protein forms I76M.
Identifiers: ClinVar variation 1362087 (VCV001362087.8), dbSNP rs1174370874, ClinGen allele CA337823550.
Genomic context (GRCh38, chr1:1,232,506, plus strand): 5'-CGCCTTCCTGGCAGTGCTGGTGGCCAGCGCGCCCCGCGCCGCCGAGCGCCGCAGCGTGAT[C>G]CGCAGCACGTGGCTTGCGCGGCGCGGGGCCCCGGGCGACGTGTGGGCGCGCTTTGCCGTG-3'
Protein context (NP_542172.2, residues 66-86): APRAAERRSV[Ile76Met]RSTWLARRGA